The following is an entry in ClinVar:

NM_001330260.2(SCN8A):c.1345G>A (p.Ala449Thr)

Gene: SCN8A (sodium voltage-gated channel alpha subunit 8; plus strand). Cytogenetic location: 12q13.13.
Variant type: single nucleotide variant.
Coding change: c.1345G>A on transcript NM_001330260.2 (MANE Select); coding-DNA position 1345, G replaced by A.
Protein change: p.Ala449Thr; replaces alanine 449 with threonine.
Molecular consequence: missense variant.
Genome position (GRCh38, 1-based): chr12:51,706,425, G>A. VCF-style: chr12-51706425-G-A. GRCh37 (hg19) VCF-style: chr12-52100209-G-A.
Other names: c.1345G>A, p.Ala449Thr (NM_001177984.3, NM_001369788.1, NM_014191.4); short protein forms A449T.
Identifiers: ClinVar variation 4686314 (VCV004686314.1).
Genomic context (GRCh38, chr12:51,706,425, plus strand): 5'-TGGGTGGCTCCAGTTAATTGCCCTGGTCTGGCTTCCCTGCTGTGGCTTCTTTCCTAGGCT[G>A]CTGCGATGGCCACTTCAGCAGGAACTGTCTCAGAAGATGCCATAGAGGAAGAAGGTGAAG-3'
Protein context (NP_001317189.1, residues 439-459): LKKQQEEAQA[Ala449Thr]AMATSAGTVS

ClinVar aggregate classification (germline): Uncertain significance (1 of 4 stars; one submission).

Submission:

GeneDx
Classification: Uncertain significance. Last evaluated: 2025-07-13. Review status: criteria provided, single submitter. Criteria: GeneDx Variant Classification Process June 2021. Collection method: clinical testing. Allele origin: germline. Affected: yes.
Comment: Not observed at significant frequency in large population cohorts (gnomAD); In silico analysis suggests that this missense variant does not alter protein structure/function; Has not been previously published as pathogenic or benign to our knowledge; This substitution is predicted to be within the cytoplasmic loop between the first and second homologous domains